The following is an entry in ClinVar:

ClinVar aggregate classification (germline): Likely benign (1 of 4 stars; one submission).

Conditions:
SPG7-related disorder. Also called: SPG7-related condition.

gnomAD v4.1: 1 of 398,782 alleles (0.00025%); highest among the groups gnomAD compares: Non-Finnish European, 0.00044%; no homozygotes.

Submission:

PreventionGenetics, part of Exact Sciences
Classification: Likely benign for SPG7-related condition. Last evaluated: 2025-12-16. Review status: criteria provided, single submitter. Criteria: ACMG Guidelines, 2015. Collection method: clinical testing. Allele origin: germline.
Comment: This variant is classified as likely benign based on ACMG/AMP sequence variant interpretation guidelines (Richards et al. 2015 PMID: 25741868, with internal and published modifications).

NM_003119.4(SPG7):c.2182-965C>T

Gene: SPG7 (SPG7 matrix AAA peptidase subunit, paraplegin; plus strand). Cytogenetic location: 16q24.3.
Variant type: single nucleotide variant.
Coding change: c.2182-965C>T on transcript NM_003119.4 (MANE Select); 965 bases into the intron before coding-DNA position 2182, C replaced by T.
Molecular consequence: intron variant. On other transcripts: synonymous variant (1).
Genome position (GRCh38, 1-based): chr16:89,555,922, C>T. VCF-style: chr16-89555922-C-T. GRCh37 (hg19) VCF-style: chr16-89622330-C-T.
Other names: c.2226C>T, p.Asp742= (NM_001363850.1).
Identifiers: ClinVar variation 4992275 (VCV004992275.1).
Genomic context (GRCh38, chr16:89,555,922, plus strand): 5'-CCTTGTGTCTTTCAAGCGAGCACTGTGTGTCACGTGGGGATCGTGTTTGGGGCCCTTAGA[C>T]TGTCGTCCCCAGCCAGCAGCAGCCGCCTCTGGGCAGGTGTGGGCGGTGCCGTCCCCGGCT-3'